The following is an entry in ClinVar:

ClinVar aggregate classification (germline): Uncertain significance (1 of 4 stars; one submission).

Conditions:
Myopathy, proximal, and ophthalmoplegia (CMYO6). Also called: CONGENITAL MYOPATHY 6 WITH OPHTHALMOPLEGIA; INCLUSION BODY MYOPATHY 3, AUTOSOMAL DOMINANT; MYOPATHY WITH CONGENITAL JOINT CONTRACTURES, OPHTHALMOPLEGIA, AND RIMMED VACUOLES. Identifiers: Orphanet 363677, Orphanet 79091, MedGen C1854106, MONDO:0011577, OMIM 605637.

Allele frequency attached by ClinVar (database versions not stated): TOPMed 0.00001; gnomAD 0.00003.
gnomAD v4.1: 45 of 1,613,960 alleles (0.0028%); highest among the groups gnomAD compares: South Asian, 0.035%; no homozygotes.

Submission:

Labcorp Genetics (formerly Invitae), Labcorp
Classification: Uncertain significance for Myopathy, proximal, and ophthalmoplegia. Last evaluated: 2025-08-15. Review status: criteria provided, single submitter. Criteria: Invitae Variant Classification Sherloc (09022015). Collection method: clinical testing. Allele origin: germline.
Comment: This sequence change falls in intron 13 of the MYH2 gene. It does not directly change the encoded amino acid sequence of the MYH2 protein. It affects a nucleotide within the consensus splice site. This variant is present in population databases (rs758217131, gnomAD 0.04%). This variant has not been reported in the literature in individuals affected with MYH2-related conditions. ClinVar contains an entry for this variant (Variation ID: 642001). Variants that disrupt the consensus splice site are a relatively common cause of aberrant splicing (PMID: 17576681, 9536098). Algorithms developed to predict the effect of sequence changes on RNA splicing suggest that this variant is not likely to affect RNA splicing. In summary, the available evidence is currently insufficient to determine the role of this variant in disease. Therefore, it has been classified as a Variant of Uncertain Significance.

Literature cited by the submitters: PubMed 17576681; PubMed 9536098.

NM_017534.6(MYH2):c.1266+5G>A

Genes: MYH2 (myosin heavy chain 2; minus strand), MYHAS (myosin heavy chain gene cluster antisense RNA; plus strand). Cytogenetic location: 17p13.1.
Variant type: single nucleotide variant.
Coding change: c.1266+5G>A on transcript NM_017534.6 (MANE Select); 5 bases into the intron after coding-DNA position 1266, G replaced by A.
Molecular consequence: intron variant.
Genome position (GRCh38, 1-based): chr17:10,539,439, C>T on the plus strand (G>A on the coding strand, the complement: MYH2 is on the minus strand). VCF-style: chr17-10539439-C-T. GRCh37 (hg19) VCF-style: chr17-10442756-C-T.
Other names: c.1266+5G>A (NM_001100112.2).
Identifiers: ClinVar variation 642001 (VCV000642001.8), dbSNP rs758217131, ClinGen allele CA8391414.
Genomic context (GRCh38, chr17:10,539,439, plus strand): 5'-CGAAGTTATTAAAGGCCTATGAAAATGCTTTCATCCCTGGCAGTTAATTTGAATTATGCA[C>T]CTACCTGTTCTACAGTCTGGCCTTTGGTGACATACTCATTGCCGACCTTGACCCTGGGGT-3'